The following is an entry in ClinVar:

ClinVar aggregate classification (germline): Uncertain significance (1 of 4 stars; one submission).

Allele frequency attached by ClinVar (database versions not stated): gnomAD 0.00001; gnomAD exomes 0.00004; ExAC 0.00005; TOPMed 0.00001.
gnomAD v4.1: 17 of 1,613,784 alleles (0.0011%); highest among the groups gnomAD compares: Middle Eastern, 0.016%; no homozygotes.

Submission:

Labcorp Genetics (formerly Invitae), Labcorp
Classification: Uncertain significance. Last evaluated: 2022-08-23. Review status: criteria provided, single submitter. Criteria: Invitae Variant Classification Sherloc (09022015). Collection method: clinical testing. Allele origin: germline.
Comment: This sequence change replaces glutamic acid, which is acidic and polar, with glutamine, which is neutral and polar, at codon 2211 of the NBAS protein (p.Glu2211Gln). This variant is present in population databases (rs747110409, gnomAD 0.007%). This variant has not been reported in the literature in individuals affected with NBAS-related conditions. ClinVar contains an entry for this variant (Variation ID: 1486450). Algorithms developed to predict the effect of missense changes on protein structure and function output the following: SIFT: "Deleterious"; PolyPhen-2: "Benign"; Align-GVGD: "Class C25". The glutamine amino acid residue is found in multiple mammalian species, which suggests that this missense change does not adversely affect protein function. In summary, the available evidence is currently insufficient to determine the role of this variant in disease. Therefore, it has been classified as a Variant of Uncertain Significance.

NM_015909.4(NBAS):c.6631G>C (p.Glu2211Gln)

Gene: NBAS (NBAS subunit of NRZ tethering complex; minus strand). Cytogenetic location: 2p24.3.
Variant type: single nucleotide variant.
Coding change: c.6631G>C on transcript NM_015909.4 (MANE Select); coding-DNA position 6631, G replaced by C.
Protein change: p.Glu2211Gln; replaces glutamic acid 2211 with glutamine.
Molecular consequence: missense variant. On other transcripts: non-coding transcript variant (1).
Genome position (GRCh38, 1-based): chr2:15,186,822, C>G on the plus strand (G>C on the coding strand, the complement: NBAS is on the minus strand). VCF-style: chr2-15186822-C-G. GRCh37 (hg19) VCF-style: chr2-15326946-C-G.
Other names: short protein forms E2211Q.
Identifiers: ClinVar variation 1486450 (VCV001486450.5), dbSNP rs747110409, ClinGen allele CA1534947.